The following is an entry in ClinVar:

ClinVar aggregate classification (germline): Benign/Likely benign. Review status: criteria provided, multiple submitters, no conflicts (2 of 4 stars). 4 submissions from 4 submitters: Benign (1); Likely benign (3). Last evaluated 2025-09-18.

Allele frequency attached by ClinVar (database versions not stated): 1000 Genomes Project 0.00739; TOPMed 0.00851; gnomAD exomes 0.00188; gnomAD 0.00744 and 0.00813; 1000 Genomes Project 30x 0.00937; ESP Exome Variant Server 0.00961; ExAC 0.00245.
gnomAD v4.1: 2,192 of 1,613,872 alleles (0.14%); highest among the groups gnomAD compares: African/African-American, 2.6%; 29 homozygotes.

Submissions (4):

Mayo Clinic Laboratories, Mayo Clinic
Classification: Likely benign. Last evaluated: 2025-09-18. Review status: criteria provided, single submitter. Criteria: ACMG Guidelines, 2015. Collection method: clinical testing. Allele origin: germline. Observed: 1 variant allele.
Comment: BS1, BP4, BP7

GeneDx
Classification: Likely benign. Last evaluated: 2020-11-08. Review status: criteria provided, single submitter. Criteria: GeneDx Variant Classification Process June 2021. Collection method: clinical testing. Allele origin: germline. Affected: yes.

Labcorp Genetics (formerly Invitae), Labcorp
Classification: Benign. Last evaluated: 2017-11-01. Review status: criteria provided, single submitter. Criteria: Invitae Variant Classification Sherloc (09022015). Collection method: clinical testing. Allele origin: germline.

Breakthrough Genomics
Classification: Likely benign. Review status: criteria provided, single submitter. Criteria: ACMG Guidelines, 2015. Collection method: not provided. Allele origin: germline. Inheritance: Other. Affected: yes.

NM_004070.4(CLCNKA):c.777G>A (p.Glu259=)

Genes: CLCNKA (chloride voltage-gated channel Ka; plus strand), LOC106501712 (CLCNKA recombination region; plus strand). Cytogenetic location: 1p36.13.
Variant type: single nucleotide variant.
Coding change: c.777G>A on transcript NM_004070.4 (MANE Select); coding-DNA position 777, G replaced by A.
Protein change: p.Glu259=; no amino-acid change (glutamic acid 259 retained).
Molecular consequence: synonymous variant.
Genome position (GRCh38, 1-based): chr1:16,027,431, G>A. VCF-style: chr1-16027431-G-A. GRCh37 (hg19) VCF-style: chr1-16353926-G-A.
Other names: p.Glu259=; c.777G>A, p.Glu259= (NM_001042704.2); c.648G>A, p.Glu216= (NM_001257139.2).
Identifiers: ClinVar variation 718388 (VCV000718388.7), dbSNP rs138578392, ClinGen allele CA622370.
Genomic context (GRCh38, chr1:16,027,431, plus strand): 5'-CTTCTTTGCGGCCACCTGCGGGGCCTTCATATTCCGGCTCCTGGCAGTCTTCAACAGCGA[G>A]CAGGGTGAGCCCCCTGGGCTGCCTGACCCTGGCCCTGCCTGGGGGCCGGGGCGAGGGAGA-3'
Protein context (NP_004061.3, residues 249-269): IFRLLAVFNS[Glu259=]QETITSLYKT